The following is an entry in ClinVar:

NM_002457.5(MUC2):c.12657G>C (p.Leu4219=)

Gene: MUC2 (mucin 2, oligomeric mucus/gel-forming; plus strand). Cytogenetic location: 11p15.5.
Variant type: single nucleotide variant.
Coding change: c.12657G>C on transcript NM_002457.5 (MANE Select); coding-DNA position 12657, G replaced by C.
Protein change: p.Leu4219=; no amino-acid change (leucine 4219 retained).
Molecular consequence: synonymous variant.
Genome position (GRCh38, 1-based): chr11:1,099,991, G>C. VCF-style: chr11-1099991-G-C. GRCh37 (hg19) VCF-style: chr11-1093899-G-C.
Identifiers: ClinVar variation 2641151 (VCV002641151.24), dbSNP rs150480526, ClinGen allele CA5800494.

ClinVar aggregate classification (germline): Likely benign (1 of 4 stars; one submission).

Allele frequency attached by ClinVar (database versions not stated): 1000 Genomes Project 30x 0.00094; 1000 Genomes Project 0.00120; ExAC 0.00161; gnomAD 0.00237; TOPMed 0.00286; ESP Exome Variant Server 0.00325.

Submission:

CeGaT Center for Human Genetics Tuebingen
Classification: Likely benign. Last evaluated: 2022-03-01. Review status: criteria provided, single submitter. Criteria: CeGaT Center For Human Genetics Tuebingen Variant Classification Criteria Version 2. Collection method: clinical testing. Allele origin: germline. Affected: yes. Observed: 1 variant allele.
Comment: MUC2: BP4, BP7